The following is an entry in ClinVar:

ClinVar aggregate classification (germline): Conflicting classifications of pathogenicity. Review status: criteria provided, conflicting classifications (1 of 4 stars). 9 submissions from 5 submitters: Uncertain significance (3); Benign (1); Likely benign (4). 1 of the submissions does not count toward it. Last evaluated 2026-01-28.

Conditions:
Autosomal recessive limb-girdle muscular dystrophy type 2J (LGMDR10). Also called: Limb-girdle muscular dystrophy, type 2J; MUSCULAR DYSTROPHY, LIMB-GIRDLE, AUTOSOMAL RECESSIVE 10. Identifiers: Orphanet 140922, MedGen C1837342, MONDO:0012127, OMIM 608807.
Dilated cardiomyopathy 1G (CMD1G). Identifiers: Orphanet 154, MedGen C1858763, MONDO:0011400, OMIM 604145.
Myopathy, myofibrillar, 9, with early respiratory failure (MFM9). Also called: Hereditary myopathy with early respiratory failure; Myopathy, distal, with early respiratory failure, autosomal dominant; EDSTROM MYOPATHY; MYOPATHY, PROXIMAL, WITH EARLY RESPIRATORY MUSCLE INVOLVEMENT. Identifiers: Orphanet 178464, Orphanet 34521, MedGen C1863599, MONDO:0011362, OMIM 603689.
TTN-related disorder. Also called: TTN-related disorders; TTN-related condition; TTN-related disease.
Early-onset myopathy with fatal cardiomyopathy (CMYO5). Also called: Salih Myopathy; CONGENITAL MYOPATHY 5 WITH CARDIOMYOPATHY. Identifiers: Orphanet 289377, MedGen C2673677, MONDO:0012714, OMIM 611705. Disease mechanism: loss of function.
Tibial muscular dystrophy (TMD). Also called: Tibial muscular dystrophy, tardive; UDD MYOPATHY; Udd Distal Myopathy – Tibial Muscular Dystrophy. Identifiers: Orphanet 609, MedGen C1838244, MONDO:0010870, OMIM 600334.

Allele frequency attached by ClinVar (database versions not stated): gnomAD exomes 0.00007 and 0.00008; gnomAD 0.00008 and 0.00009; ExAC 0.00009; TOPMed 0.00009.
gnomAD v4.1: 111 of 1,598,764 alleles (0.0069%); highest among the groups gnomAD compares: Non-Finnish European, 0.0093%; no homozygotes.

Submissions (9):

Labcorp Genetics (formerly Invitae), Labcorp
Classification: Likely benign for Dilated cardiomyopathy 1G; Autosomal recessive limb-girdle muscular dystrophy type 2J. Last evaluated: 2026-01-28. Review status: criteria provided, single submitter. Criteria: Invitae Variant Classification Sherloc (09022015). Collection method: clinical testing. Allele origin: germline.

Blueprint Genetics
Classification: Likely benign. Last evaluated: 2024-08-07. Review status: criteria provided, single submitter. Criteria: ACMG Guidelines, 2015. Collection method: clinical testing. Allele origin: germline.

Illumina Laboratory Services, Illumina
Classification: Uncertain significance for Early-onset myopathy with fatal cardiomyopathy. Last evaluated: 2018-01-12. Review status: criteria provided, single submitter. Criteria: ICSL Variant Classification Criteria 13 December 2019. Collection method: clinical testing. Allele origin: germline.

Illumina Laboratory Services, Illumina
Classification: Uncertain significance for Autosomal recessive limb-girdle muscular dystrophy type 2J. Last evaluated: 2018-01-12. Review status: criteria provided, single submitter. Criteria: ICSL Variant Classification Criteria 13 December 2019. Collection method: clinical testing. Allele origin: germline.

Illumina Laboratory Services, Illumina
Classification: Uncertain significance for Dilated cardiomyopathy 1G. Last evaluated: 2018-01-12. Review status: criteria provided, single submitter. Criteria: ICSL Variant Classification Criteria 13 December 2019. Collection method: clinical testing. Allele origin: germline.

Illumina Laboratory Services, Illumina
Classification: Likely benign for Myopathy, myofibrillar, 9, with early respiratory failure. Last evaluated: 2018-01-12. Review status: criteria provided, single submitter. Criteria: ICSL Variant Classification Criteria 13 December 2019. Collection method: clinical testing. Allele origin: germline.
Comment: This variant was observed in the ICSL laboratory as part of a predisposition screen in an ostensibly healthy population. It had not been previously curated by ICSL or reported in the Human Gene Mutation Database (HGMD: prior to June 1st, 2018), and was therefore a candidate for classification through an automated scoring system. Utilizing variant allele frequency, disease prevalence and penetrance estimates, and inheritance mode, an automated score was calculated to assess if this variant is too frequent to cause the disease. Based on the score and internal cut-off values, a variant classified as likely benign is not then subjected to further curation. The score for this variant resulted in a classification of likely benign for this disease.

Illumina Laboratory Services, Illumina
Classification: Benign for Tibial muscular dystrophy. Last evaluated: 2018-01-12. Review status: criteria provided, single submitter. Criteria: ICSL Variant Classification Criteria 13 December 2019. Collection method: clinical testing. Allele origin: germline.
Comment: This variant was observed in the ICSL laboratory as part of a predisposition screen in an ostensibly healthy population. It had not been previously curated by ICSL or reported in the Human Gene Mutation Database (HGMD: prior to June 1st, 2018), and was therefore a candidate for classification through an automated scoring system. Utilizing variant allele frequency, disease prevalence and penetrance estimates, and inheritance mode, an automated score was calculated to assess if this variant is too frequent to cause the disease. Based on the score and internal cut-off values, a variant classified as benign is not then subjected to further curation. The score for this variant resulted in a classification of benign for this disease.

GeneDx
Classification: Likely benign. Last evaluated: 2017-05-26. Review status: criteria provided, single submitter. Criteria: GeneDx Variant Classification (06012015). Collection method: clinical testing. Allele origin: germline. Affected: yes.
Comment: This variant is considered likely benign or benign based on one or more of the following criteria: it is a conservative change, it occurs at a poorly conserved position in the protein, it is predicted to be benign by multiple in silico algorithms, and/or has population frequency not consistent with disease.

PreventionGenetics, part of Exact Sciences
Classification: Likely benign for TTN-related condition. Last evaluated: 2022-09-28. Review status: no assertion criteria provided. Collection method: clinical testing. Allele origin: germline. Not counted in ClinVar's aggregate classification.
Comment: This variant is classified as likely benign based on ACMG/AMP sequence variant interpretation guidelines (Richards et al. 2015 PMID: 25741868, with internal and published modifications).

NM_001267550.2(TTN):c.98989+12A>C

Genes: TTN (titin; minus strand), TTN-AS1 (TTN antisense RNA 1; plus strand). Cytogenetic location: 2q31.2.
Variant type: single nucleotide variant.
Coding change: c.98989+12A>C on transcript NM_001267550.2 (MANE Select); 12 bases into the intron after coding-DNA position 98989, A replaced by C.
Molecular consequence: intron variant. On other transcripts: non-coding transcript variant (1).
Genome position (GRCh38, 1-based): chr2:178,538,934, T>G on the plus strand (A>C on the coding strand, the complement: TTN is on the minus strand). VCF-style: chr2-178538934-T-G. GRCh37 (hg19) VCF-style: chr2-179403661-T-G.
Other names: c.94066+12A>C (NM_001256850.1); c.71794+12A>C (NM_003319.4); c.72370+12A>C (NM_133437.4); c.72169+12A>C (NM_133432.3); c.91285+12A>C (NM_133378.4).
Identifiers: ClinVar variation 332711 (VCV000332711.15), dbSNP rs72648275, ClinGen allele CA1986282.